The following is an entry in ClinVar:

NM_000112.4(SLC26A2):c.2095del (p.Tyr699fs)

Gene: SLC26A2 (solute carrier family 26 member 2; plus strand). Cytogenetic location: 5q32.
Variant type: Deletion.
Coding change: c.2095del on transcript NM_000112.4 (MANE Select); coding-DNA position 2095, one base deleted (T; older notation c.2095delT).
Protein change: p.Tyr699fs; shifts the reading frame from tyrosine 699.
Molecular consequence: frameshift variant.
Genome position (GRCh38, 1-based): chr5:149,981,688, T deleted. VCF-style (leftmost placement, unchanged base first): chr5-149981687-AT-A. GRCh37 (hg19) VCF-style: chr5-149361250-AT-A.
Other names: short protein forms Y699fs.
Identifiers: ClinVar variation 1999769 (VCV001999769.4), dbSNP rs2468536125, ClinGen allele CA2580073970.

ClinVar aggregate classification (germline): Pathogenic (1 of 4 stars; one submission).

Conditions:
Atelosteogenesis type II (AO2). Also called: NEONATAL OSSEOUS DYSPLASIA I; SLC26A2-Related Atelosteogenesis; Neonatal osseous dysplasia 1. Identifiers: Orphanet 56304, MedGen C1850554, MONDO:0009727, OMIM 256050.
Achondrogenesis, type IB (ACG1B). Also called: Achondrogenesis Type 1B. Identifiers: Orphanet 932, Orphanet 93298, MedGen C0265274, MONDO:0010966, OMIM 600972.
Diastrophic dysplasia (DTD). Also called: Diastrophic dwarfism. Identifiers: Orphanet 628, MedGen C0220726, MONDO:0009107, OMIM 222600.
Multiple epiphyseal dysplasia type 4 (EDM4). Also called: Multiple Epiphyseal Dysplasia, Recessive; MULTIPLE EPIPHYSEAL DYSPLASIA WITH BILAYERED PATELLAE; MULTIPLE EPIPHYSEAL DYSPLASIA WITH CLUBFOOT; MULTIPLE EPIPHYSEAL DYSPLASIA, AUTOSOMAL RECESSIVE; SLC26A2-Related Multiple Epiphyseal Dysplasia. Identifiers: Orphanet 93307, MedGen C1847593, MONDO:0009189, OMIM 226900.

Allele frequency attached by ClinVar (database versions not stated): gnomAD exomes below 0.00001.

Submission:

Labcorp Genetics (formerly Invitae), Labcorp
Classification: Pathogenic for Atelosteogenesis type II; Multiple epiphyseal dysplasia type 4; Achondrogenesis, type IB; Diastrophic dysplasia. Last evaluated: 2022-05-27. Review status: criteria provided, single submitter. Criteria: Invitae Variant Classification Sherloc (09022015). Collection method: clinical testing. Allele origin: germline.
Comment: This sequence change creates a premature translational stop signal (p.Tyr699Ilefs*36) in the SLC26A2 gene. While this is not anticipated to result in nonsense mediated decay, it is expected to disrupt the last 41 amino acid(s) of the SLC26A2 protein. This variant is not present in population databases (gnomAD no frequency). This variant has not been reported in the literature in individuals affected with SLC26A2-related conditions. This variant disrupts a region of the SLC26A2 protein in which other variant(s) (p.Ala715Val) have been determined to be pathogenic (PMID: 8571951, 21077204, 21922596). This suggests that this is a clinically significant region of the protein, and that variants that disrupt it are likely to be disease-causing. For these reasons, this variant has been classified as Pathogenic.

Literature cited by the submitters: PubMed 8571951; PubMed 21077204; PubMed 21922596.